The following is an entry in ClinVar:

NM_001042492.3(NF1):c.3197G>T (p.Arg1066Ile)

Gene: NF1 (neurofibromin 1; plus strand). Cytogenetic location: 17q11.2.
Variant type: single nucleotide variant.
Coding change: c.3197G>T on transcript NM_001042492.3 (MANE Select); coding-DNA position 3197, G replaced by T.
Protein change: p.Arg1066Ile; replaces arginine 1066 with isoleucine.
Molecular consequence: missense variant.
Genome position (GRCh38, 1-based): chr17:31,230,925, G>T. VCF-style: chr17-31230925-G-T. GRCh37 (hg19) VCF-style: chr17-29557943-G-T.
Other names: c.3197G>T, p.Arg1066Ile (NM_000267.4); short protein forms R1066I.
Identifiers: ClinVar variation 527557 (VCV000527557.5), dbSNP rs1555614652, ClinGen allele CA398988336.

ClinVar aggregate classification (germline): Uncertain significance (1 of 4 stars; one submission).

Conditions:
Neurofibromatosis, type 1 (NF1). Also called: VON RECKLINGHAUSEN DISEASE; NEUROFIBROMATOSIS, TYPE I, SOMATIC; Peripheral type neurofibromatosis; Neurofibromatosis, type I. Identifiers: Orphanet 636, MedGen C0027831, MONDO:0018975, OMIM 162200. Disease mechanism: loss of function.

Submission:

Labcorp Genetics (formerly Invitae), Labcorp
Classification: Uncertain significance for Neurofibromatosis, type 1. Last evaluated: 2017-12-16. Review status: criteria provided, single submitter. Criteria: Invitae Variant Classification Sherloc (09022015). Collection method: clinical testing. Allele origin: germline.
Comment: A different variant affecting this nucleotide, c.3197G>C (p.Arg1066Thr), has been determined to be pathogenic (Invitae). This suggests that this nucleotide is important for normal RNA splicing, and that other variants at this position may also be pathogenic. In summary, the available evidence is currently insufficient to determine the role of this variant in disease. Therefore, it has been classified as a Variant of Uncertain Significance. Nucleotide substitutions within the consensus splice site are a relatively common cause of aberrant splicing (PMID: 17576681, 9536098). Algorithms developed to predict the effect of sequence changes on RNA splicing suggest that this variant may disrupt the consensus splice site, but this prediction has not been confirmed by published transcriptional studies. Algorithms developed to predict the effect of missense changes on protein structure and function do not agree on the potential impact of this missense change (SIFT: "Deleterious"; PolyPhen-2: "Probably Damaging"; Align-GVGD: "Class C0"). This variant has not been reported in the literature in individuals with NF1-related disease. This variant is not present in population databases (ExAC no frequency). This sequence change replaces arginine with isoleucine at codon 1066 of the NF1 protein (p.Arg1066Ile). The arginine residue is moderately conserved and there is a moderate physicochemical difference between arginine and isoleucine. This variant also falls at the last nucleotide of exon 24 of the NF1 coding sequence, which is part of the consensus splice site for this exon.

Literature cited by the submitters: PubMed 17576681; PubMed 9536098.